The following is an entry in ClinVar:

NM_005051.3(QARS1):c.90C>G (p.Ser30Arg)

Genes: QARS1 (glutaminyl-tRNA synthetase 1; minus strand), LOC129936736 (ATAC-STARR-seq lymphoblastoid active region 19853; plus strand). Cytogenetic location: 3p21.31.
Variant type: single nucleotide variant.
Coding change: c.90C>G on transcript NM_005051.3 (MANE Select); coding-DNA position 90, C replaced by G.
Protein change: p.Ser30Arg; replaces serine 30 with arginine.
Molecular consequence: missense variant. On other transcripts: non-coding transcript variant (1).
Genome position (GRCh38, 1-based): chr3:49,104,644, G>C on the plus strand (C>G on the coding strand, the complement: QARS1 is on the minus strand). VCF-style: chr3-49104644-G-C. GRCh37 (hg19) VCF-style: chr3-49142077-G-C.
Other names: c.90C>G, p.Ser30Arg (NM_001272073.2); c.90C>G (NM_005051.1); short protein forms S30R.
Identifiers: ClinVar variation 951451 (VCV000951451.7), dbSNP rs1221014964, ClinGen allele CA352723745.
Genomic context (GRCh38, chr3:49,104,644, plus strand): 5'-TGCAAACCAGGCCGGGGGCAGAGGGGCTCGCACCTGAGTAGCGGCCTCGCGCAGCTGCGC[G>C]CTCAGAGCCGAGTTCTTGAGCGTCTCGCGGGCCTTCTGCTCGCTCAGGCCGAGGCTAGTG-3'
Protein context (NP_005042.1, residues 20-40): ARETLKNSAL[Ser30Arg]AQLREAATQA

ClinVar aggregate classification (germline): Uncertain significance. Review status: criteria provided, multiple submitters, no conflicts (2 of 4 stars). 2 submissions from 2 submitters: Uncertain significance (2). Last evaluated 2025-09-01.

Conditions:
Diffuse cerebral and cerebellar atrophy - intractable seizures - progressive microcephaly syndrome. Also called: Microcephaly, progressive, with seizures and cerebral and cerebellar atrophy. Identifiers: Orphanet 404437, MedGen C4014239, MONDO:0014335, OMIM 615760.
Inborn genetic diseases. Identifiers: MedGen C0950123, MeSH D030342.

Allele frequency attached by ClinVar (database versions not stated): gnomAD 0.00001.
gnomAD v4.1: 5 of 1,607,112 alleles (0.00031%); highest among the groups gnomAD compares: Non-Finnish European, 0.00043%; no homozygotes.

Submissions (2):

Ambry Genetics
Classification: Uncertain significance for Inborn genetic diseases. Last evaluated: 2025-09-01. Review status: criteria provided, single submitter. Criteria: Ambry Variant Classification Scheme 2023. Collection method: clinical testing. Allele origin: germline.

Labcorp Genetics (formerly Invitae), Labcorp
Classification: Uncertain significance for Diffuse cerebral and cerebellar atrophy - intractable seizures - progressive microcephaly syndrome. Last evaluated: 2024-06-03. Review status: criteria provided, single submitter. Criteria: Invitae Variant Classification Sherloc (09022015). Collection method: clinical testing. Allele origin: germline.
Comment: This sequence change replaces serine, which is neutral and polar, with arginine, which is basic and polar, at codon 30 of the QARS protein (p.Ser30Arg). This variant is present in population databases (no rsID available, gnomAD 0.0009%). This variant has not been reported in the literature in individuals affected with QARS-related conditions. ClinVar contains an entry for this variant (Variation ID: 951451). Advanced modeling of protein sequence and biophysical properties (such as structural, functional, and spatial information, amino acid conservation, physicochemical variation, residue mobility, and thermodynamic stability) has been performed at Invitae for this missense variant, however the output from this modeling did not meet the statistical confidence thresholds required to predict the impact of this variant on QARS protein function. In summary, the available evidence is currently insufficient to determine the role of this variant in disease. Therefore, it has been classified as a Variant of Uncertain Significance.